The following is an entry in ClinVar:

ClinVar aggregate classification (germline): Uncertain significance. Review status: criteria provided, multiple submitters, no conflicts (2 of 4 stars). 2 submissions from 2 submitters: Uncertain significance (2). Last evaluated 2024-03-21.

Conditions:
Hereditary cancer-predisposing syndrome. Also called: Hereditary Cancer Syndrome; Hereditary neoplastic syndrome; Tumor predisposition; Neoplastic Syndromes, Hereditary. Identifiers: Orphanet 140162, MedGen C0027672, MeSH D009386, MONDO:0015356.
Cardiovascular phenotype. Identifiers: MedGen CN230736.

Allele frequency attached by ClinVar (database versions not stated): TOPMed below 0.00001; gnomAD 0.00001.
gnomAD v4.1: 4 of 1,613,530 alleles (0.00025%); highest among the groups gnomAD compares: Non-Finnish European, 0.00034%; no homozygotes.

Submissions (2):

Labcorp Genetics (formerly Invitae), Labcorp
Classification: Uncertain significance. Last evaluated: 2024-03-21. Review status: criteria provided, single submitter. Criteria: Invitae Variant Classification Sherloc (09022015). Collection method: clinical testing. Allele origin: germline.
Comment: This sequence change replaces isoleucine, which is neutral and non-polar, with valine, which is neutral and non-polar, at codon 796 of the LZTR1 protein (p.Ile796Val). This variant is present in population databases (no rsID available, gnomAD 0.007%). This variant has not been reported in the literature in individuals affected with LZTR1-related conditions. ClinVar contains an entry for this variant (Variation ID: 1790493). Advanced modeling of protein sequence and biophysical properties (such as structural, functional, and spatial information, amino acid conservation, physicochemical variation, residue mobility, and thermodynamic stability) performed at Invitae indicates that this missense variant is not expected to disrupt LZTR1 protein function with a negative predictive value of 80%. In summary, the available evidence is currently insufficient to determine the role of this variant in disease. Therefore, it has been classified as a Variant of Uncertain Significance.

Ambry Genetics
Classification: Uncertain significance for Cardiovascular phenotype; Hereditary cancer-predisposing syndrome. Last evaluated: 2022-03-14. Review status: criteria provided, single submitter. Criteria: Ambry Variant Classification Scheme 2023. Collection method: clinical testing. Allele origin: germline.
Comment: The p.I796V variant (also known as c.2386A>G), located in coding exon 20 of the LZTR1 gene, results from an A to G substitution at nucleotide position 2386. The isoleucine at codon 796 is replaced by valine, an amino acid with highly similar properties. This amino acid position is conserved. In addition, the in silico prediction for this alteration is inconclusive. Since supporting evidence is limited at this time, the clinical significance of this alteration remains unclear.

NM_006767.4(LZTR1):c.2386A>G (p.Ile796Val)

Gene: LZTR1 (leucine zipper like post translational regulator 1; plus strand). Cytogenetic location: 22q11.21.
Variant type: single nucleotide variant.
Coding change: c.2386A>G on transcript NM_006767.4 (MANE Select); coding-DNA position 2386, A replaced by G.
Protein change: p.Ile796Val; replaces isoleucine 796 with valine.
Molecular consequence: missense variant.
Genome position (GRCh38, 1-based): chr22:20,996,946, A>G. VCF-style: chr22-20996946-A-G. GRCh37 (hg19) VCF-style: chr22-21351235-A-G.
Other names: short protein forms I796V.
Identifiers: ClinVar variation 1790493 (VCV001790493.4), dbSNP rs1407594215, ClinGen allele CA410781169.